The following is an entry in ClinVar:

NM_001903.5(CTNNA1):c.583C>G (p.Gln195Glu)

Gene: CTNNA1 (catenin alpha 1; plus strand). Cytogenetic location: 5q31.2.
Variant type: single nucleotide variant.
Coding change: c.583C>G on transcript NM_001903.5 (MANE Select); coding-DNA position 583, C replaced by G.
Protein change: p.Gln195Glu; replaces glutamine 195 with glutamic acid.
Molecular consequence: missense variant.
Genome position (GRCh38, 1-based): chr5:138,812,297, C>G. VCF-style: chr5-138812297-C-G. GRCh37 (hg19) VCF-style: chr5-138147986-C-G.
Other names: c.583C>G, p.Gln195Glu (NM_001290307.3, NM_001323982.2, NM_001323983.1 and 3 more transcripts); c.274C>G, p.Gln92Glu (NM_001290309.3); c.214C>G, p.Gln72Glu (NM_001290310.3); short protein forms Q72E, Q92E, Q195E.
Identifiers: ClinVar variation 942965 (VCV000942965.9), dbSNP rs1581119680, ClinGen allele CA361125697.

ClinVar aggregate classification (germline): Uncertain significance (1 of 4 stars; one submission).

Submission:

Labcorp Genetics (formerly Invitae), Labcorp
Classification: Uncertain significance. Last evaluated: 2023-01-06. Review status: criteria provided, single submitter. Criteria: Invitae Variant Classification Sherloc (09022015). Collection method: clinical testing. Allele origin: germline.
Comment: In summary, the available evidence is currently insufficient to determine the role of this variant in disease. Therefore, it has been classified as a Variant of Uncertain Significance. Advanced modeling of protein sequence and biophysical properties (such as structural, functional, and spatial information, amino acid conservation, physicochemical variation, residue mobility, and thermodynamic stability) performed at Invitae indicates that this missense variant is not expected to disrupt CTNNA1 protein function. ClinVar contains an entry for this variant (Variation ID: 942965). This variant has not been reported in the literature in individuals affected with CTNNA1-related conditions. This variant is not present in population databases (gnomAD no frequency). This sequence change replaces glutamine, which is neutral and polar, with glutamic acid, which is acidic and polar, at codon 195 of the CTNNA1 protein (p.Gln195Glu).